The following is an entry in ClinVar:

ClinVar aggregate classification (germline): Uncertain significance (1 of 4 stars; one submission).

Allele frequency attached by ClinVar (database versions not stated): gnomAD exomes below 0.00001; gnomAD 0.00001.

Submission:

Labcorp Genetics (formerly Invitae), Labcorp
Classification: Uncertain significance. Last evaluated: 2026-02-02. Review status: criteria provided, single submitter. Criteria: Invitae Variant Classification Sherloc (09022015). Collection method: clinical testing. Allele origin: germline.
Comment: This sequence change replaces valine, which is neutral and non-polar, with methionine, which is neutral and non-polar, at codon 607 of the CAMK2B protein (p.Val607Met). This variant is present in population databases (no rsID available, gnomAD 0.004%). This variant has not been reported in the literature in individuals affected with CAMK2B-related conditions. ClinVar contains an entry for this variant (Variation ID: 1493335). An algorithm developed to predict the effect of missense changes on protein structure and function (PolyPhen-2) suggests that this variant is likely to be disruptive. In summary, the available evidence is currently insufficient to determine the role of this variant in disease. Therefore, it has been classified as a Variant of Uncertain Significance.

NM_001220.5(CAMK2B):c.1819G>A (p.Val607Met)

Gene: CAMK2B (calcium/calmodulin dependent protein kinase II beta; minus strand). Cytogenetic location: 7p13.
Variant type: single nucleotide variant.
Coding change: c.1819G>A on transcript NM_001220.5 (MANE Select); coding-DNA position 1819, G replaced by A.
Protein change: p.Val607Met; replaces valine 607 with methionine.
Molecular consequence: missense variant.
Genome position (GRCh38, 1-based): chr7:44,220,244, C>T on the plus strand (G>A on the coding strand, the complement: CAMK2B is on the minus strand). VCF-style: chr7-44220244-C-T. GRCh37 (hg19) VCF-style: chr7-44259843-C-T.
Other names: c.1447G>A, p.Val483Met (NM_001293170.2, NM_172078.3); c.1375G>A, p.Val459Met (NM_172079.3); c.1372G>A, p.Val458Met (NM_172080.3); c.1330G>A, p.Val444Met (NM_172081.3); c.1297G>A, p.Val433Met (NM_172082.3); c.1258G>A, p.Val420Met (NM_172083.3); c.1168G>A, p.Val390Met (NM_172084.3); short protein forms V420M, V433M, V458M, V459M, V444M, V607M, V390M, V483M.
Identifiers: ClinVar variation 1493335 (VCV001493335.8), dbSNP rs1455660734, ClinGen allele CA367368773.